The following is an entry in ClinVar:

NM_007294.4(BRCA1):c.1346C>G (p.Ser449Cys)

Gene: BRCA1 (BRCA1 DNA repair associated; minus strand). Cytogenetic location: 17q21.31.
Variant type: single nucleotide variant.
Coding change: c.1346C>G on transcript NM_007294.4 (MANE Select); coding-DNA position 1346, C replaced by G.
Protein change: p.Ser449Cys; replaces serine 449 with cysteine.
Molecular consequence: missense variant. On other transcripts: intron variant (137).
Genome position (GRCh38, 1-based): chr17:43,094,185, G>C on the plus strand (C>G on the coding strand, the complement: BRCA1 is on the minus strand). VCF-style: chr17-43094185-G-C. GRCh37 (hg19) VCF-style: chr17-41246202-G-C.
Other names: c.1220C>G, p.Ser407Cys (NM_001407672.1, NM_001407673.1, NM_001407649.1 and 11 more transcripts); c.1223C>G, p.Ser408Cys (NM_001407675.1, NM_001407674.1, NM_001407677.1 and 19 more transcripts); c.451+559C>G (NM_001408508.1, NM_001408509.1); c.574+559C>G (NM_001408491.1, NM_001408493.1, NM_001408490.1); c.460+1661C>G (NM_001408506.1, NM_001408507.1); c.577+559C>G (NM_001408481.1, NM_001408480.1, NM_001408492.1 and 9 more transcripts); c.778+559C>G (NM_001408408.1); c.661+559C>G (NM_001408446.1, NM_001408435.1, NM_001408448.1 and 6 more transcripts); and 40 more; short protein forms S360C, S361C, S378C, S382C, S422C, S449C, S281C, S337C.
Identifiers: ClinVar variation 3481839 (VCV003481839.1).

ClinVar aggregate classification (germline): Uncertain significance (1 of 4 stars; one submission).

Conditions:
Hereditary cancer-predisposing syndrome. Also called: Tumor predisposition; Neoplastic Syndromes, Hereditary; Hereditary Cancer Syndrome; Hereditary neoplastic syndrome. Identifiers: Orphanet 140162, MedGen C0027672, MeSH D009386, MONDO:0015356.

Submission:

Ambry Genetics
Classification: Uncertain significance for Hereditary cancer-predisposing syndrome. Last evaluated: 2024-08-27. Review status: criteria provided, single submitter. Criteria: Ambry Variant Classification Scheme 2023. Collection method: clinical testing. Allele origin: germline.
Comment: The p.S449C variant (also known as c.1346C>G), located in coding exon 9 of the BRCA1 gene, results from a C to G substitution at nucleotide position 1346. The serine at codon 449 is replaced by cysteine, an amino acid with dissimilar properties. This alteration was identified in an individual diagnosed with breast cancer (Elmaihub ES et al. Libyan J Med, 2024 Dec;19:2356906). This amino acid position is not well conserved in available vertebrate species. In addition, the in silico prediction for this alteration is inconclusive. Based on the available evidence, the clinical significance of this variant remains unclear.

Literature cited by the submitters: PubMed 38785139.